The following is an entry in ClinVar:

NM_000629.3(IFNAR1):c.750T>G (p.Tyr250Ter)

Gene: IFNAR1 (interferon alpha and beta receptor subunit 1; plus strand). Cytogenetic location: 21q22.11.
Variant type: single nucleotide variant.
Coding change: c.750T>G on transcript NM_000629.3 (MANE Select); coding-DNA position 750, T replaced by G.
Protein change: p.Tyr250Ter; replaces tyrosine 250 with a stop codon.
Molecular consequence: nonsense. On other transcripts: 5 prime UTR variant (1).
Genome position (GRCh38, 1-based): chr21:33,345,322, T>G. VCF-style: chr21-33345322-T-G. GRCh37 (hg19) VCF-style: chr21-34717628-T-G.
Other names: c.750T>G, p.Tyr250Ter (NM_001384498.1, NM_001384499.1, NM_001384501.1 and 1 more transcripts); c.-13T>G (NM_001384500.1); c.288T>G, p.Tyr96Ter (NM_001384502.1); c.543T>G, p.Tyr181Ter (NM_001384504.1); short protein forms Y181*, Y250*, Y96*.
Identifiers: ClinVar variation 3000638 (VCV003000638.4), dbSNP rs34849215, ClinGen allele CA320145868.
Genomic context (GRCh38, chr21:33,345,322, plus strand): 5'-TCCACCAGAAAATATAGAAGTCAGTGTCCAAAATCAGAACTATGTTCTTAAATGGGATTA[T>G]ACATATGCAAACATGACCTTTCAAGTTCAGTGGCTCCAGTAAGTTCCATTCCATAAATTT-3'

ClinVar aggregate classification (germline): Pathogenic/Likely pathogenic. Review status: criteria provided, multiple submitters, no conflicts (2 of 4 stars). 2 submissions from 2 submitters: Pathogenic (1); Likely pathogenic (1). Last evaluated 2023-07-26.

Conditions:
Immunodeficiency 106, susceptibility to viral infections (IMD106). Also called: IFNAR1 DEFICIENCY. Identifiers: MedGen C5677009, MONDO:0030970, OMIM 619935.

gnomAD v4.1: 24 of 1,604,148 alleles (0.0015%); highest among the groups gnomAD compares: Non-Finnish European, 0.002%; no homozygotes.

Submissions (2):

Department of Pathology and Laboratory Medicine, Sinai Health System
Classification: Likely pathogenic for Immunodeficiency 106, susceptibility to viral infections. Last evaluated: 2023-07-26. Review status: criteria provided, single submitter. Criteria: ACMG Guidelines, 2015. Collection method: research. Allele origin: germline.

Labcorp Genetics (formerly Invitae), Labcorp
Classification: Pathogenic. Last evaluated: 2023-03-14. Review status: criteria provided, single submitter. Criteria: Invitae Variant Classification Sherloc (09022015). Collection method: clinical testing. Allele origin: germline.
Comment: For these reasons, this variant has been classified as Pathogenic. Algorithms developed to predict the effect of sequence changes on RNA splicing suggest that this variant may disrupt the consensus splice site. This variant has not been reported in the literature in individuals affected with IFNAR1-related conditions. This variant is present in population databases (rs34849215, gnomAD 0.0009%). This sequence change creates a premature translational stop signal (p.Tyr250*) in the IFNAR1 gene. It is expected to result in an absent or disrupted protein product. Loss-of-function variants in IFNAR1 are known to be pathogenic (PMID: 31270247, 32960813).

Literature cited by the submitters: PubMed 31270247 (cited by Labcorp Genetics (formerly Invitae), Labcorp); PubMed 32960813 (cited by Labcorp Genetics (formerly Invitae), Labcorp).